The following is an entry in ClinVar:

ClinVar aggregate classification (germline): Uncertain significance. Review status: criteria provided, multiple submitters, no conflicts (2 of 4 stars). 2 submissions from 2 submitters: Uncertain significance (2). Last evaluated 2024-12-13.

Submissions (2):

GeneDx
Classification: Uncertain significance. Last evaluated: 2024-12-13. Review status: criteria provided, single submitter. Criteria: GeneDx Variant Classification Process June 2021. Collection method: clinical testing. Allele origin: germline. Affected: yes.
Comment: Not observed at significant frequency in large population cohorts (gnomAD); In-frame deletion of 1 amino acid(s) in a non-repeat region; In silico analysis does not support a benign or deleterious effect of this variant on protein structure/function; Has not been previously published as pathogenic or benign to our knowledge

Blueprint Genetics
Classification: Uncertain significance. Last evaluated: 2020-12-02. Review status: criteria provided, single submitter. Criteria: ACMG Guidelines, 2015. Collection method: clinical testing. Allele origin: germline.

NM_205861.3(DHDDS):c.435CAA[1] (p.Asn146del)

Gene: DHDDS (dehydrodolichyl diphosphate synthase subunit; plus strand). Cytogenetic location: 1p36.11.
Variant type: Microsatellite.
Coding change: c.435CAA[1] on transcript NM_205861.3 (MANE Select); one copy of the 3-base unit CAA starting at c.435; the reference has two copies in a row; one copy, 3 bases deleted.
Protein change: p.Asn146del; deletes asparagine 146.
Molecular consequence: intron variant (on NM_001243565.2).
Genome position (GRCh38, 1-based): chr1:26,446,430-26,446,432, CAA deleted; deleting any 3 consecutive bases within chr1:26,446,426-26,446,432 gives the same sequence; the position shown is the placement nearest the transcript's 3' end. VCF-style (leftmost placement, unchanged base first): chr1-26446425-TACA-T. GRCh37 (hg19) VCF-style: chr1-26772916-TACA-T.
Other names: c.435CAA[1], p.Asn147del (NM_001243564.2); c.156CAA[1], p.Asn53del (NM_001319959.2); c.435CAA[1], p.Asn146del (NM_024887.4); c.324-1129_324-1127del (NM_001243565.2); short protein forms N146del, N147del, N53del.
Identifiers: ClinVar variation 3906665 (VCV003906665.2).